The following is an entry in ClinVar:

NM_001711.6(BGN):c.405C>A (p.Ser135Arg)

Gene: BGN (biglycan; plus strand). Cytogenetic location: Xq28.
Variant type: single nucleotide variant.
Coding change: c.405C>A on transcript NM_001711.6 (MANE Select); coding-DNA position 405, C replaced by A.
Protein change: p.Ser135Arg; replaces serine 135 with arginine.
Molecular consequence: missense variant.
Genome position (GRCh38, 1-based): chrX:153,505,916, C>A. VCF-style: chrX-153505916-C-A. GRCh37 (hg19) VCF-style: chrX-152771374-C-A.
Other names: short protein forms S135R.
Identifiers: ClinVar variation 3824241 (VCV003824241.3).

ClinVar aggregate classification (germline): Conflicting classifications of pathogenicity. Review status: criteria provided, conflicting classifications (1 of 4 stars). 2 submissions from 2 submitters: Uncertain significance (1); Likely benign (1). Last evaluated 2025-03-22.

Conditions:
Cardiovascular phenotype. Identifiers: MedGen CN230736.

gnomAD v4.1: 10 of 1,211,901 alleles (0.00083%); highest among the groups gnomAD compares: Non-Finnish European, 0.0011%; no homozygotes.

Submissions (2):

Ambry Genetics
Classification: Likely benign for Cardiovascular phenotype. Last evaluated: 2025-03-22. Review status: criteria provided, single submitter. Criteria: Ambry Variant Classification Scheme 2023. Collection method: clinical testing. Allele origin: germline.

Labcorp Genetics (formerly Invitae), Labcorp
Classification: Uncertain significance. Last evaluated: 2025-02-26. Review status: criteria provided, single submitter. Criteria: Invitae Variant Classification Sherloc (09022015). Collection method: clinical testing. Allele origin: germline.
Comment: This sequence change replaces serine, which is neutral and polar, with arginine, which is basic and polar, at codon 135 of the BGN protein (p.Ser135Arg). This variant is present in population databases (no rsID available, gnomAD 0.003%). This variant has not been reported in the literature in individuals affected with BGN-related conditions. Invitae Evidence Modeling of protein sequence and biophysical properties (such as structural, functional, and spatial information, amino acid conservation, physicochemical variation, residue mobility, and thermodynamic stability) indicates that this missense variant is not expected to disrupt BGN protein function with a negative predictive value of 80%. In summary, the available evidence is currently insufficient to determine the role of this variant in disease. Therefore, it has been classified as a Variant of Uncertain Significance.